The following is an entry in ClinVar:

NM_018359.5(UFSP2):c.940T>C (p.Phe314Leu)

Gene: UFSP2 (UFM1 specific peptidase 2; minus strand). Cytogenetic location: 4q35.1.
Variant type: single nucleotide variant.
Coding change: c.940T>C on transcript NM_018359.5 (MANE Select); coding-DNA position 940, T replaced by C.
Protein change: p.Phe314Leu; replaces phenylalanine 314 with leucine.
Molecular consequence: missense variant. On other transcripts: non-coding transcript variant (2).
Genome position (GRCh38, 1-based): chr4:185,408,327, A>G on the plus strand (T>C on the coding strand, the complement: UFSP2 is on the minus strand). VCF-style: chr4-185408327-A-G. GRCh37 (hg19) VCF-style: chr4-186329481-A-G.
Other names: short protein forms F314L.
Identifiers: ClinVar variation 4071815 (VCV004071815.1).

ClinVar aggregate classification (germline): Uncertain significance (1 of 4 stars; one submission).

gnomAD v4.1: 1 of 1,614,184 alleles (0.000062%); highest among the groups gnomAD compares: Non-Finnish European, 0.000085%; no homozygotes.

Submission:

GeneDx
Classification: Uncertain significance. Last evaluated: 2025-01-24. Review status: criteria provided, single submitter. Criteria: GeneDx Variant Classification Process June 2021. Collection method: clinical testing. Allele origin: germline. Affected: yes.
Comment: In silico analysis supports that this missense variant has a deleterious effect on protein structure/function; Has not been previously published as pathogenic or benign to our knowledge